The following is an entry in ClinVar:

ClinVar aggregate classification (germline): Uncertain significance. Review status: criteria provided, multiple submitters, no conflicts (2 of 4 stars). 5 submissions from 5 submitters: Uncertain significance (4). 1 of the submissions does not count toward it. Last evaluated 2025-04-29.

Conditions:
Cardiovascular phenotype. Identifiers: MedGen CN230736.
Alstrom syndrome (ALMS). Identifiers: Orphanet 64, MedGen C0268425, MONDO:0008763, OMIM 203800.

Allele frequency attached by ClinVar (database versions not stated): gnomAD exomes below 0.00001; ExAC 0.00001; gnomAD 0.00001; TOPMed 0.00004.
gnomAD v4.1: 5 of 1,613,972 alleles (0.00031%); highest among the groups gnomAD compares: African/African-American, 0.0067%; no homozygotes.

Submissions (5):

GeneDx
Classification: Uncertain significance. Last evaluated: 2025-04-29. Review status: criteria provided, single submitter. Criteria: GeneDx Variant Classification Process June 2021. Collection method: clinical testing. Allele origin: germline. Affected: yes.
Comment: Not observed at significant frequency in large population cohorts (gnomAD); In silico analysis indicates that this missense variant does not alter protein structure/function; Has not been previously published as pathogenic or benign to our knowledge

Labcorp Genetics (formerly Invitae), Labcorp
Classification: Uncertain significance for Alstrom syndrome. Last evaluated: 2025-01-30. Review status: criteria provided, single submitter. Criteria: Invitae Variant Classification Sherloc (09022015). Collection method: clinical testing. Allele origin: germline.
Comment: This sequence change replaces leucine, which is neutral and non-polar, with methionine, which is neutral and non-polar, at codon 3802 of the ALMS1 protein (p.Leu3802Met). This variant is present in population databases (rs780494417, gnomAD 0.007%). This variant has not been reported in the literature in individuals affected with ALMS1-related conditions. ClinVar contains an entry for this variant (Variation ID: 957156). Experimental studies and prediction algorithms are not available or were not evaluated, and the functional significance of this variant is currently unknown. In summary, the available evidence is currently insufficient to determine the role of this variant in disease. Therefore, it has been classified as a Variant of Uncertain Significance.

Ambry Genetics
Classification: Uncertain significance for Cardiovascular phenotype. Last evaluated: 2022-11-09. Review status: criteria provided, single submitter. Criteria: Ambry Variant Classification Scheme 2023. Collection method: clinical testing. Allele origin: germline.
Comment: The p.L3802M variant (also known as c.11404T>A), located in coding exon 16 of the ALMS1 gene, results from a T to A substitution at nucleotide position 11404. The leucine at codon 3802 is replaced by methionine, an amino acid with highly similar properties. This amino acid position is well conserved in available vertebrate species. In addition, this alteration is predicted to be tolerated by in silico analysis. Since supporting evidence is limited at this time, the clinical significance of this alteration remains unclear.

Fulgent Genetics
Classification: Uncertain significance for Alstrom syndrome. Last evaluated: 2021-10-08. Review status: criteria provided, single submitter. Criteria: ACMG Guidelines, 2015. Collection method: clinical testing. Allele origin: unknown.

Natera, Inc.
Classification: Uncertain significance for Alstrom syndrome. Last evaluated: 2020-03-04. Review status: no assertion criteria provided. Collection method: clinical testing. Allele origin: germline. Not counted in ClinVar's aggregate classification.

NM_001378454.1(ALMS1):c.11401T>A (p.Leu3801Met)

Gene: ALMS1 (ALMS1 centrosome and basal body associated protein; plus strand). Cytogenetic location: 2p13.1.
Variant type: single nucleotide variant.
Coding change: c.11401T>A on transcript NM_001378454.1 (MANE Select); coding-DNA position 11401, T replaced by A.
Protein change: p.Leu3801Met; replaces leucine 3801 with methionine.
Molecular consequence: missense variant.
Genome position (GRCh38, 1-based): chr2:73,573,278, T>A. VCF-style: chr2-73573278-T-A. GRCh37 (hg19) VCF-style: chr2-73800405-T-A.
Other names: c.11404T>A, p.Leu3802Met (NM_015120.4); short protein forms L3801M, L3802M.
Identifiers: ClinVar variation 957156 (VCV000957156.13), dbSNP rs780494417, ClinGen allele CA1715184.